The following is an entry in ClinVar:

NM_001386135.1(AFF3):c.1755G>T (p.Lys585Asn)

Gene: AFF3 (ALF transcription elongation factor 3; minus strand). Cytogenetic location: 2q11.2.
Variant type: single nucleotide variant.
Coding change: c.1755G>T on transcript NM_001386135.1 (MANE Select); coding-DNA position 1755, G replaced by T.
Protein change: p.Lys585Asn; replaces lysine 585 with asparagine.
Molecular consequence: missense variant.
Genome position (GRCh38, 1-based): chr2:99,593,906, C>A on the plus strand (G>T on the coding strand, the complement: AFF3 is on the minus strand). VCF-style: chr2-99593906-C-A. GRCh37 (hg19) VCF-style: chr2-100210368-C-A.
Other names: c.1830G>T, p.Lys610Asn (NM_001025108.2); c.1755G>T, p.Lys585Asn (NM_002285.3); short protein forms K585N, K610N.
Identifiers: ClinVar variation 4685284 (VCV004685284.1).

ClinVar aggregate classification (germline): Uncertain significance (1 of 4 stars; one submission).

Submission:

GeneDx
Classification: Uncertain significance. Last evaluated: 2025-07-09. Review status: criteria provided, single submitter. Criteria: GeneDx Variant Classification Process June 2021. Collection method: clinical testing. Allele origin: germline. Affected: yes.
Comment: Not observed at significant frequency in large population cohorts (gnomAD); In silico analysis supports that this missense variant has a deleterious effect on protein structure/function; Has not been previously published as pathogenic or benign to our knowledge